The following is an entry in ClinVar:

ClinVar aggregate classification (germline): Uncertain significance. Review status: criteria provided, multiple submitters, no conflicts (2 of 4 stars). 2 submissions from 2 submitters: Uncertain significance (2). Last evaluated 2025-05-17.

Conditions:
Inborn genetic diseases. Identifiers: MedGen C0950123, MeSH D030342.

Allele frequency attached by ClinVar (database versions not stated): gnomAD exomes below 0.00001.
gnomAD v4.1: 7 of 1,614,090 alleles (0.00043%); highest among the groups gnomAD compares: East Asian, 0.0022%; 1 homozygote.

Submissions (2):

Ambry Genetics
Classification: Uncertain significance for Inborn genetic diseases. Last evaluated: 2025-05-17. Review status: criteria provided, single submitter. Criteria: Ambry Variant Classification Scheme 2023. Collection method: clinical testing. Allele origin: germline.
Comment: The p.N1074S variant (also known as c.3221A>G), located in coding exon 24 of the ANKRD26 gene, results from an A to G substitution at nucleotide position 3221. The asparagine at codon 1074 is replaced by serine, an amino acid with highly similar properties. This amino acid position is conserved. In addition, this alteration is predicted to be tolerated by in silico analysis. Based on the available evidence, the clinical significance of this variant remains unclear.

Labcorp Genetics (formerly Invitae), Labcorp
Classification: Uncertain significance. Last evaluated: 2025-03-17. Review status: criteria provided, single submitter. Criteria: Invitae Variant Classification Sherloc (09022015). Collection method: clinical testing. Allele origin: germline.
Comment: This sequence change replaces asparagine, which is neutral and polar, with serine, which is neutral and polar, at codon 1074 of the ANKRD26 protein (p.Asn1074Ser). This variant is present in population databases (no rsID available, gnomAD 0.003%). This variant has not been reported in the literature in individuals affected with ANKRD26-related conditions. ClinVar contains an entry for this variant (Variation ID: 2886808). An algorithm developed to predict the effect of missense changes on protein structure and function outputs the following: PolyPhen-2: "Probably Damaging". The serine amino acid residue is found in multiple mammalian species, which suggests that this missense change does not adversely affect protein function. In summary, the available evidence is currently insufficient to determine the role of this variant in disease. Therefore, it has been classified as a Variant of Uncertain Significance.

NM_014915.3(ANKRD26):c.3221A>G (p.Asn1074Ser)

Gene: ANKRD26 (ankyrin repeat domain 26; minus strand). Cytogenetic location: 10p12.1.
Variant type: single nucleotide variant.
Coding change: c.3221A>G on transcript NM_014915.3 (MANE Select); coding-DNA position 3221, A replaced by G.
Protein change: p.Asn1074Ser; replaces asparagine 1074 with serine.
Molecular consequence: missense variant.
Genome position (GRCh38, 1-based): chr10:27,035,229, T>C on the plus strand (A>G on the coding strand, the complement: ANKRD26 is on the minus strand). VCF-style: chr10-27035229-T-C. GRCh37 (hg19) VCF-style: chr10-27324158-T-C.
Other names: c.3218A>G, p.Asn1073Ser (NM_001256053.2); short protein forms N1073S, N1074S.
Identifiers: ClinVar variation 2886808 (VCV002886808.4), dbSNP rs1427554177, ClinGen allele CA376363655.